The following is an entry in ClinVar:

NM_016239.4(MYO15A):c.7595_7598dup (p.Ile2534fs)

Gene: MYO15A (myosin XVA; plus strand). Cytogenetic location: 17p11.2.
Variant type: Duplication.
Coding change: c.7595_7598dup on transcript NM_016239.4 (MANE Select); coding-DNA positions 7595 to 7598, 4 bases duplicated (TCCC; older notation c.7595_7598dupTCCC).
Protein change: p.Ile2534fs; shifts the reading frame from isoleucine 2534.
Molecular consequence: frameshift variant.
Genome position (GRCh38, 1-based): chr17:18,151,231-18,151,234, TCCC duplicated; duplicating any 4 consecutive bases within chr17:18,151,230-18,151,234 gives the same sequence; the c. name uses the placement nearest the transcript's 3' end. VCF-style (leftmost placement, unchanged base first): chr17-18151229-G-GCTCC. GRCh37 (hg19) VCF-style: chr17-18054543-G-GCTCC.
Other names: short protein forms I2534fs.
Identifiers: ClinVar variation 2961238 (VCV002961238.3), dbSNP rs750867074, ClinGen allele CA8424888.
Genomic context (GRCh38, chr17:18,151,229, plus strand): 5'-CGTGCTCCTGCGTGCCACTCCAAAGCCCTTGGCCCCAGCCCCTCTGGCCAAGGCTCCAAG[G>GCTCC]CTCCCCATCAAGCCTGTGGCTGCCCCTGTTCTAGCTCAGGATCAGGCTTCTCCAGAAACC-3'

ClinVar aggregate classification (germline): Pathogenic (1 of 4 stars; one submission).

Submission:

Labcorp Genetics (formerly Invitae), Labcorp
Classification: Pathogenic. Last evaluated: 2023-01-13. Review status: criteria provided, single submitter. Criteria: Invitae Variant Classification Sherloc (09022015). Collection method: clinical testing. Allele origin: germline.
Comment: This variant has not been reported in the literature in individuals affected with MYO15A-related conditions. For these reasons, this variant has been classified as Pathogenic. This variant is present in population databases (rs750867074, gnomAD 0.003%). This sequence change creates a premature translational stop signal (p.Ile2534Profs*35) in the MYO15A gene. It is expected to result in an absent or disrupted protein product. Loss-of-function variants in MYO15A are known to be pathogenic (PMID: 17546645).

Literature cited by the submitters: PubMed 17546645.